The following is an entry in ClinVar:

ClinVar aggregate classification (germline): Uncertain significance (1 of 4 stars; one submission).

Conditions:
Charcot-Marie-Tooth disease type 2. Also called: Charcot-Marie-Tooth type 2. Identifiers: Orphanet 64746, MedGen C0270914, MONDO:0018993.

Submission:

Labcorp Genetics (formerly Invitae), Labcorp
Classification: Uncertain significance for Charcot-Marie-Tooth disease type 2. Last evaluated: 2021-10-05. Review status: criteria provided, single submitter. Criteria: Invitae Variant Classification Sherloc (09022015). Collection method: clinical testing. Allele origin: germline.
Comment: This variant has not been reported in the literature in individuals affected with MFN2-related conditions. This variant is not present in population databases (ExAC no frequency). This sequence change creates a premature translational stop signal (p.Gln754*) in the MFN2 gene. While this is not anticipated to result in nonsense mediated decay, it is expected to disrupt the last 4 amino acid(s) of the MFN2 protein. In summary, the available evidence is currently insufficient to determine the role of this variant in disease. Therefore, it has been classified as a Variant of Uncertain Significance.

NM_014874.4(MFN2):c.2260C>T (p.Gln754Ter)

Gene: MFN2 (mitofusin 2; plus strand). Cytogenetic location: 1p36.22.
Variant type: single nucleotide variant.
Coding change: c.2260C>T on transcript NM_014874.4 (MANE Select); coding-DNA position 2260, C replaced by T.
Protein change: p.Gln754Ter; replaces glutamine 754 with a stop codon.
Molecular consequence: nonsense.
Genome position (GRCh38, 1-based): chr1:12,011,551, C>T. VCF-style: chr1-12011551-C-T. GRCh37 (hg19) VCF-style: chr1-12071608-C-T.
Other names: c.2260C>T, p.Gln754Ter (NM_001127660.2); short protein forms Q754*.
Identifiers: ClinVar variation 1472410 (VCV001472410.6), dbSNP rs868571112, ClinGen allele CA338454587.
Genomic context (GRCh38, chr1:12,011,551, plus strand): 5'-TGCAGGAATAAAGCCGGTTGGTTGGACAGTGAGCTCAACATGTTCACACACCAGTACCTG[C>T]AGCCCAGCAGATAGTGGGCACCTGAGGCGGAGTCTGCGTGGAGAGGGGCGGTGCTGCCAG-3'